The following is an entry in ClinVar:

ClinVar aggregate classification (germline): Benign/Likely benign. Review status: criteria provided, multiple submitters, no conflicts (2 of 4 stars). 10 submissions from 8 submitters: Benign (8); Likely benign (1). 1 of the submissions does not count toward it. Last evaluated 2026-02-04.

Conditions:
Paroxysmal extreme pain disorder (PEXPD). Also called: SCN9A Paroxysmal Extreme Pain Disorder (SCN9A-PEPD); PAIN, SUBMANDIBULAR, OCULAR, AND RECTAL, WITH FLUSHING; RECTAL PAIN, FAMILIAL. Identifiers: Orphanet 46348, MedGen C1833661, MONDO:0008179, OMIM 167400.
Primary erythromelalgia. Also called: SCN9A Erythromelalgia (SCN9A-EM); primary erythermalgia. Identifiers: Orphanet 306577, Orphanet 90026, MedGen C0014805, MONDO:0007571, OMIM 133020.
Channelopathy-associated congenital insensitivity to pain, autosomal recessive. Also called: CONGENITAL ANALGESIA, AUTOSOMAL RECESSIVE; ASYMBOLIA FOR PAIN; Insensitivity to pain, channelopathy-associated. Identifiers: Orphanet 88642, Orphanet 970, MedGen C1855739, MONDO:0009459, OMIM 243000.
Generalized epilepsy with febrile seizures plus, type 7 (GEFSP7). Also called: GEFS+, TYPE 7. Identifiers: Orphanet 36387, MedGen C2751778, MONDO:0013470, OMIM 613863.
Neuropathy, hereditary sensory and autonomic, type 2A (HSAN2A). Also called: ACROOSTEOLYSIS, GIACCAI TYPE; ACROOSTEOLYSIS, NEUROGENIC; MORVAN DISEASE; NEUROPATHY, CONGENITAL SENSORY; NEUROPATHY, HEREDITARY SENSORY RADICULAR, AUTOSOMAL RECESSIVE; NEUROPATHY, HEREDITARY SENSORY, TYPE IIA. Identifiers: Orphanet 970, MedGen C2752089, MONDO:0024309, OMIM 201300.

Allele frequency attached by ClinVar (database versions not stated): gnomAD exomes 0.86867 and 0.88324; ExAC 0.88503; ESP Exome Variant Server 0.88696; gnomAD 0.89103 and 0.89276; TOPMed 0.89616; 1000 Genomes Project 30x 0.90100; 1000 Genomes Project 0.90136.
gnomAD v4.1: 1,260,148 of 1,446,268 alleles (87%); highest among the groups gnomAD compares: East Asian, 95%; 549,682 homozygotes.

Submissions (10):

Labcorp Genetics (formerly Invitae), Labcorp
Classification: Benign for Neuropathy, hereditary sensory and autonomic, type 2A; Generalized epilepsy with febrile seizures plus, type 7. Last evaluated: 2026-02-04. Review status: criteria provided, single submitter. Criteria: Invitae Variant Classification Sherloc (09022015). Collection method: clinical testing. Allele origin: germline.

Blueprint Genetics
Classification: Likely benign. Last evaluated: 2024-11-26. Review status: criteria provided, single submitter. Criteria: ACMG Guidelines, 2015. Collection method: clinical testing. Allele origin: germline.

Unidad de Genómica Garrahan, Hospital de Pediatría Garrahan
Classification: Benign. Last evaluated: 2024-07-15. Review status: criteria provided, single submitter. Criteria: ACMG Guidelines, 2015. Collection method: clinical testing. Allele origin: germline. Affected: no. Observed: 88 variant alleles.
Comment: This variant is classified as Benign based on local population frequency. This variant was detected in 95% of patients studied in a panel designed for Epileptic and Developmental Encephalopathy and Progressive Myoclonus Epilepsy. Number of patients: 88. Only high quality variants are reported.

Genome-Nilou Lab
Classification: Benign for Primary erythromelalgia. Last evaluated: 2021-07-15. Review status: criteria provided, single submitter. Criteria: ACMG Guidelines, 2015. Collection method: clinical testing. Allele origin: germline. Affected: no.

Genome-Nilou Lab
Classification: Benign for Channelopathy-associated congenital insensitivity to pain, autosomal recessive. Last evaluated: 2021-07-15. Review status: criteria provided, single submitter. Criteria: ACMG Guidelines, 2015. Collection method: clinical testing. Allele origin: germline. Affected: no.

Genome-Nilou Lab
Classification: Benign for Paroxysmal extreme pain disorder. Last evaluated: 2021-07-15. Review status: criteria provided, single submitter. Criteria: ACMG Guidelines, 2015. Collection method: clinical testing. Allele origin: germline. Affected: no.

GeneDx
Classification: Benign. Last evaluated: 2015-03-03. Review status: criteria provided, single submitter. Criteria: GeneDx Variant Classification Process June 2021. Collection method: clinical testing. Allele origin: germline. Affected: yes.

Breakthrough Genomics
Classification: Benign. Review status: criteria provided, single submitter. Criteria: ACMG Guidelines, 2015. Collection method: not provided. Allele origin: germline. Inheritance: Autosomal recessive inheritance. Affected: yes.

PreventionGenetics, part of Exact Sciences
Classification: Benign. Review status: criteria provided, single submitter. Criteria: ACMG Guidelines, 2015. Collection method: clinical testing. Allele origin: germline.

Diagnostic Laboratory, Department of Genetics, University Medical Center Groningen
Classification: Benign. Review status: no assertion criteria provided. Collection method: clinical testing. Allele origin: germline. Affected: yes. Study: VKGL Data-share Consensus. Not counted in ClinVar's aggregate classification.

NM_001365536.1(SCN9A):c.4774+16T>A

Genes: SCN1A-AS1 (SCN1A and SCN9A antisense RNA 1; plus strand), SCN9A (sodium voltage-gated channel alpha subunit 9; minus strand). Cytogenetic location: 2q24.3.
Variant type: single nucleotide variant.
Coding change: c.4774+16T>A on transcript NM_001365536.1 (MANE Select); 16 bases into the intron after coding-DNA position 4774, T replaced by A.
Molecular consequence: intron variant.
Genome position (GRCh38, 1-based): chr2:166,203,939, A>T on the plus strand (T>A on the coding strand, the complement: SCN9A is on the minus strand). VCF-style: chr2-166203939-A-T. GRCh37 (hg19) VCF-style: chr2-167060449-A-T.
Other names: c.4741+16T>A (NM_002977.4).
Identifiers: ClinVar variation 258888 (VCV000258888.17), dbSNP rs10180721, ClinGen allele CA1943793.